The following is an entry in ClinVar:

NM_015937.6(PIGT):c.893C>G (p.Pro298Arg)

Gene: PIGT (phosphatidylinositol glycan anchor biosynthesis class T; plus strand). Cytogenetic location: 20q13.12.
Variant type: single nucleotide variant.
Coding change: c.893C>G on transcript NM_015937.6 (MANE Select); coding-DNA position 893, C replaced by G.
Protein change: p.Pro298Arg; replaces proline 298 with arginine.
Molecular consequence: missense variant. On other transcripts: non-coding transcript variant (5).
Genome position (GRCh38, 1-based): chr20:45,420,553, C>G. VCF-style: chr20-45420553-C-G. GRCh37 (hg19) VCF-style: chr20-44049193-C-G.
Other names: c.725C>G, p.Pro242Arg (NM_001184728.3); c.893C>G, p.Pro298Arg (NM_001184729.3); c.587C>G, p.Pro196Arg (NM_001184730.3); short protein forms P196R, P242R, P298R.
Identifiers: ClinVar variation 1800671 (VCV001800671.1), dbSNP rs2515538431, ClinGen allele CA409168003.

ClinVar aggregate classification (germline): Uncertain significance (1 of 4 stars; one submission).

Allele frequency attached by ClinVar (database versions not stated): gnomAD exomes below 0.00001.
gnomAD v4.1: 1 of 1,613,814 alleles (0.000062%); highest among the groups gnomAD compares: Non-Finnish European, 0.000085%; no homozygotes.

Submission:

GeneDx
Classification: Uncertain significance. Last evaluated: 2022-05-16. Review status: criteria provided, single submitter. Criteria: GeneDx Variant Classification Process June 2021. Collection method: clinical testing. Allele origin: germline. Affected: yes.
Comment: Not observed at significant frequency in large population cohorts (gnomAD); In silico analysis supports that this missense variant has a deleterious effect on protein structure/function; Has not been previously published as pathogenic or benign to our knowledge